The following is an entry in ClinVar:

ClinVar aggregate classification (germline): Uncertain significance (1 of 4 stars; one submission).

Conditions:
Peroxisome biogenesis disorder 2B (PBD2B). Identifiers: Orphanet 44, MedGen C3550234, MONDO:0008736, OMIM 202370.

Allele frequency attached by ClinVar (database versions not stated): gnomAD exomes below 0.00001.
gnomAD v4.1: 1 of 1,614,176 alleles (0.000062%); highest among the groups gnomAD compares: Non-Finnish European, 0.000085%; no homozygotes.

Submission:

Labcorp Genetics (formerly Invitae), Labcorp
Classification: Uncertain significance for Peroxisome biogenesis disorder 2B. Last evaluated: 2025-07-28. Review status: criteria provided, single submitter. Criteria: Invitae Variant Classification Sherloc (09022015). Collection method: clinical testing. Allele origin: germline.
Comment: This sequence change replaces valine, which is neutral and non-polar, with alanine, which is neutral and non-polar, at codon 75 of the PEX5 protein (p.Val75Ala). This variant is not present in population databases (gnomAD no frequency). This variant has not been reported in the literature in individuals affected with PEX5-related conditions. ClinVar contains an entry for this variant (Variation ID: 1044236). An algorithm developed to predict the effect of missense changes on protein structure and function (PolyPhen-2) suggests that this variant is likely to be tolerated. In summary, the available evidence is currently insufficient to determine the role of this variant in disease. Therefore, it has been classified as a Variant of Uncertain Significance.

NM_001351132.2(PEX5):c.224T>C (p.Val75Ala)

Gene: PEX5 (peroxisomal biogenesis factor 5; plus strand). Cytogenetic location: 12p13.31.
Variant type: single nucleotide variant.
Coding change: c.224T>C on transcript NM_001351132.2 (MANE Select); coding-DNA position 224, T replaced by C.
Protein change: p.Val75Ala; replaces valine 75 with alanine.
Molecular consequence: missense variant.
Genome position (GRCh38, 1-based): chr12:7,191,266, T>C. VCF-style: chr12-7191266-T-C. GRCh37 (hg19) VCF-style: chr12-7343862-T-C.
Other names: c.224T>C, p.Val75Ala (NM_000319.5, NM_001131024.2, NM_001131025.2 and 19 more transcripts); c.269T>C, p.Val90Ala (NM_001131023.2, NM_001351135.3, NM_001351138.2); short protein forms V75A, V90A.
Identifiers: ClinVar variation 1044236 (VCV001044236.8), dbSNP rs1941053816, ClinGen allele CA383710942.